The following is an entry in ClinVar:

NM_000257.4(MYH7):c.173_174insGG (p.Val59fs)

Gene: MYH7 (myosin heavy chain 7; minus strand). Cytogenetic location: 14q11.2.
Variant type: Insertion.
Coding change: c.173_174insGG on transcript NM_000257.4 (MANE Select); coding-DNA positions 173 to 174, GG inserted.
Protein change: p.Val59fs; shifts the reading frame from valine 59.
Molecular consequence: frameshift variant.
Genome position: GRCh38 VCF-style: chr14-23433559-T-TCC. GRCh37 (hg19) VCF-style: chr14-23902768-T-TCC.
Other names: c.173_174insGG, p.Val59fs (NM_001407004.1); short protein forms V59fs.
Identifiers: ClinVar variation 3069354 (VCV003069354.1), dbSNP rs2502322224, ClinGen allele CA2624254187.

ClinVar aggregate classification (germline): Uncertain significance (1 of 4 stars; one submission).

Conditions:
Hypertrophic cardiomyopathy. Also called: HYPERTROPHIC MYOCARDIOPATHY. Identifiers: Orphanet 217569, MedGen C0007194, MeSH D002312, MONDO:0005045, HP:0001639.

Allele frequency attached by ClinVar (database versions not stated): gnomAD exomes below 0.00001.

Submission:

All of Us Research Program, National Institutes of Health
Classification: Uncertain significance for Hypertrophic cardiomyopathy. Last evaluated: 2022-12-16. Review status: criteria provided, single submitter. Criteria: ACMG Guidelines, 2015. Collection method: clinical testing. Allele origin: germline. Inheritance: Autosomal dominant inheritance. Observed: 1 variant allele, 1 heterozygote.
Comment: This study involves interpretation of variants in research participants for the purpose of population health screening. Participant phenotype was not available at the time of variant classification. Additional details can be found in publication PMID: 35346344, PMCID: PMC8962531